The following is an entry in ClinVar:

ClinVar aggregate classification (germline): Uncertain significance. Review status: criteria provided, multiple submitters, no conflicts (2 of 4 stars). 2 submissions from 2 submitters: Uncertain significance (2). Last evaluated 2023-04-24.

Conditions:
Tumor predisposition syndrome 3 (TPDS3). Also called: Glioma susceptibility 9; LONG TELOMERE SYNDROME, POT1-RELATED; POT1 Tumor Predisposition; Melanoma, cutaneous malignant, susceptibility to, 10. Identifiers: Orphanet 618, MedGen C4014476, MONDO:0014368, OMIM 615848.
Hereditary cancer-predisposing syndrome. Also called: Tumor predisposition; Neoplastic Syndromes, Hereditary; Hereditary Cancer Syndrome; Hereditary neoplastic syndrome. Identifiers: Orphanet 140162, MedGen C0027672, MeSH D009386, MONDO:0015356.

Submissions (2):

Labcorp Genetics (formerly Invitae), Labcorp
Classification: Uncertain significance for Tumor predisposition syndrome 3. Last evaluated: 2023-04-24. Review status: criteria provided, single submitter. Criteria: Invitae Variant Classification Sherloc (09022015). Collection method: clinical testing. Allele origin: germline.
Comment: This sequence change replaces glycine, which is neutral and non-polar, with serine, which is neutral and polar, at codon 479 of the POT1 protein (p.Gly479Ser). This variant is not present in population databases (gnomAD no frequency). This variant has not been reported in the literature in individuals affected with POT1-related conditions. ClinVar contains an entry for this variant (Variation ID: 1772604). Advanced modeling of protein sequence and biophysical properties (such as structural, functional, and spatial information, amino acid conservation, physicochemical variation, residue mobility, and thermodynamic stability) performed at Invitae indicates that this missense variant is not expected to disrupt POT1 protein function. In summary, the available evidence is currently insufficient to determine the role of this variant in disease. Therefore, it has been classified as a Variant of Uncertain Significance.

Ambry Genetics
Classification: Uncertain significance for Hereditary cancer-predisposing syndrome. Last evaluated: 2021-06-24. Review status: criteria provided, single submitter. Criteria: Ambry Variant Classification Scheme 2023. Collection method: clinical testing. Allele origin: germline.
Comment: The p.G479S variant (also known as c.1435G>A), located in coding exon 11 of the POT1 gene, results from a G to A substitution at nucleotide position 1435. The glycine at codon 479 is replaced by serine, an amino acid with similar properties. This amino acid position is not well conserved in available vertebrate species. In addition, this alteration is predicted to be tolerated by in silico analysis. Since supporting evidence is limited at this time, the clinical significance of this alteration remains unclear.

NM_015450.3(POT1):c.1435G>A (p.Gly479Ser)

Gene: POT1 (protection of telomeres 1; minus strand). Cytogenetic location: 7q31.33.
Variant type: single nucleotide variant.
Coding change: c.1435G>A on transcript NM_015450.3 (MANE Select); coding-DNA position 1435, G replaced by A.
Protein change: p.Gly479Ser; replaces glycine 479 with serine.
Molecular consequence: missense variant. On other transcripts: non-coding transcript variant (3).
Genome position (GRCh38, 1-based): chr7:124,835,349, C>T on the plus strand (G>A on the coding strand, the complement: POT1 is on the minus strand). VCF-style: chr7-124835349-C-T. GRCh37 (hg19) VCF-style: chr7-124475403-C-T.
Other names: c.1042G>A, p.Gly348Ser (NM_001042594.2); short protein forms G479S, G348S.
Identifiers: ClinVar variation 1772604 (VCV001772604.5), dbSNP rs2485374497, ClinGen allele CA369065730.